The following is an entry in ClinVar:

ClinVar aggregate classification (germline): Uncertain significance (1 of 4 stars; one submission).

gnomAD v4.1: 5 of 1,614,000 alleles (0.00031%); highest among the groups gnomAD compares: Non-Finnish European, 0.00042%; no homozygotes.

Submission:

GeneDx
Classification: Uncertain significance. Last evaluated: 2024-08-05. Review status: criteria provided, single submitter. Criteria: GeneDx Variant Classification Process June 2021. Collection method: clinical testing. Allele origin: germline. Affected: yes.
Comment: Not observed at significant frequency in large population cohorts (gnomAD); In silico analysis supports that this missense variant has a deleterious effect on protein structure/function; Has not been previously published as pathogenic or benign to our knowledge

NM_002911.4(UPF1):c.2504A>G (p.Asp835Gly)

Gene: UPF1 (UPF1 RNA helicase and ATPase; plus strand). Cytogenetic location: 19p13.11.
Variant type: single nucleotide variant.
Coding change: c.2504A>G on transcript NM_002911.4 (MANE Select); coding-DNA position 2504, A replaced by G.
Protein change: p.Asp835Gly; replaces aspartic acid 835 with glycine.
Molecular consequence: missense variant.
Genome position (GRCh38, 1-based): chr19:18,862,056, A>G. VCF-style: chr19-18862056-A-G. GRCh37 (hg19) VCF-style: chr19-18972865-A-G.
Other names: c.2537A>G, p.Asp846Gly (NM_001297549.2); short protein forms D835G, D846G.
Identifiers: ClinVar variation 3603222 (VCV003603222.1).
Genomic context (GRCh38, chr19:18,862,056, plus strand): 5'-AAGCTCCCTTCCAGGAGGTGGAGATCGCCAGTGTGGACGCCTTTCAGGGACGCGAGAAGG[A>G]CTTCATCATCCTGTCCTGTGTGCGGGCCAACGAGCACCAAGGCATTGGCTTTTTAAATGA-3'
Protein context (NP_002902.2, residues 825-845): SVDAFQGREK[Asp835Gly]FIILSCVRAN